The following is an entry in ClinVar:

ClinVar aggregate classification (germline): Benign/Likely benign. Review status: criteria provided, multiple submitters, no conflicts (2 of 4 stars). 3 submissions from 3 submitters: Benign (1); Likely benign (2). Last evaluated 2024-05-24.

Conditions:
Familial cancer of breast. Also called: hereditary breast carcinoma; BREAST CANCER, FAMILIAL; Hereditary breast cancer. Identifiers: Orphanet 227535, MedGen C0346153, MONDO:0016419, OMIM 114480. Disease mechanism: loss of function.
Hereditary cancer-predisposing syndrome. Also called: Neoplastic Syndromes, Hereditary; Hereditary Cancer Syndrome; Hereditary neoplastic syndrome; Tumor predisposition. Identifiers: Orphanet 140162, MedGen C0027672, MeSH D009386, MONDO:0015356.
Ataxia-telangiectasia syndrome (AT). Also called: ATAXIA-TELANGIECTASIA, COMPLEMENTATION GROUP A; ATAXIA-TELANGIECTASIA, FRESNO VARIANT; Ataxia-telangiectasia, complementation group E; Ataxia telangiectasia (A-T); LOUIS-BAR SYNDROME; Cerebello-oculocutaneous telangiectasia. Identifiers: Orphanet 100, MedGen C0004135, MONDO:0008840, OMIM 208900.

Submissions (3):

Myriad Genetics, Inc.
Classification: Benign for Familial cancer of breast. Last evaluated: 2024-05-24. Review status: criteria provided, single submitter. Criteria: Myriad Autosomal Dominant, Autosomal Recessive and X-Linked Classification Criteria (2023). Collection method: clinical testing. Allele origin: unknown.
Comment: This variant is considered benign. This variant is a silent/synonymous amino acid change and it is not expected to impact splicing.

Labcorp Genetics (formerly Invitae), Labcorp
Classification: Likely benign for Ataxia-telangiectasia syndrome. Last evaluated: 2021-10-31. Review status: criteria provided, single submitter. Criteria: Invitae Variant Classification Sherloc (09022015). Collection method: clinical testing. Allele origin: germline.

Ambry Genetics
Classification: Likely benign for Hereditary cancer-predisposing syndrome. Last evaluated: 2019-01-09. Review status: criteria provided, single submitter. Criteria: Ambry Variant Classification Scheme 2023. Collection method: clinical testing. Allele origin: germline.

NM_000051.4(ATM):c.5697C>T (p.Cys1899=)

Gene: ATM (ATM serine/threonine kinase; plus strand). Cytogenetic location: 11q22.3.
Variant type: single nucleotide variant.
Coding change: c.5697C>T on transcript NM_000051.4 (MANE Select); coding-DNA position 5697, C replaced by T.
Protein change: p.Cys1899=; no amino-acid change (cysteine 1899 retained).
Molecular consequence: synonymous variant.
Genome position (GRCh38, 1-based): chr11:108,307,919, C>T. VCF-style: chr11-108307919-C-T. GRCh37 (hg19) VCF-style: chr11-108178646-C-T.
Other names: c.5697C>T, p.Cys1899= (NM_001351834.2).
Identifiers: ClinVar variation 825901 (VCV000825901.13), dbSNP rs753839301, ClinGen allele CA476675225.